The following is an entry in ClinVar:

NM_000077.5(CDKN2A):c.334C>G (p.Arg112Gly)

Gene: CDKN2A (cyclin dependent kinase inhibitor 2A; minus strand). Cytogenetic location: 9p21.3.
Variant type: single nucleotide variant.
Coding change: c.334C>G on transcript NM_000077.5; coding-DNA position 334, C replaced by G.
Protein change: p.Arg112Gly; replaces arginine 112 with glycine.
Molecular consequence: missense variant (on NM_000077.6). On other transcripts: 3 prime UTR variant (1).
Genome position (GRCh38, 1-based): chr9:21,971,025, G>C on the plus strand (C>G on the coding strand, the complement: CDKN2A is on the minus strand). VCF-style: chr9-21971025-G-C. GRCh37 (hg19) VCF-style: chr9-21971024-G-C.
Other names: c.334C>G, p.Arg112Gly (NM_000077.6, NM_001195132.2); c.181C>G, p.Arg61Gly (NM_001363763.2); c.377C>G, p.Pro126Arg (NM_058195.4); c.*257C>G (NM_058197.5); short protein forms P126R, R112G, R61G.
Identifiers: ClinVar variation 233484 (VCV000233484.22), dbSNP rs876660436, ClinGen allele CA10578837.

ClinVar aggregate classification (germline): Pathogenic/Likely pathogenic. Review status: criteria provided, multiple submitters, no conflicts (2 of 4 stars). 5 submissions from 5 submitters: Pathogenic (1); Likely pathogenic (4). Last evaluated 2026-01-24.

Conditions:
Familial melanoma. Also called: Hereditary melanoma; Hereditary cutaneous melanoma. Identifiers: Orphanet 618, MedGen C1512419, MONDO:0018961.
Hereditary cancer-predisposing syndrome. Also called: Neoplastic Syndromes, Hereditary; Hereditary Cancer Syndrome; Tumor predisposition; Hereditary neoplastic syndrome. Identifiers: Orphanet 140162, MedGen C0027672, MeSH D009386, MONDO:0015356.
Melanoma and neural system tumor syndrome. Also called: MELANOMA-ASTROCYTOMA SYNDROME. Identifiers: Orphanet 252206, MedGen C1835042, MONDO:0007967, OMIM 155755.

Allele frequency attached by ClinVar (database versions not stated): gnomAD exomes below 0.00001.
gnomAD v4.1: 2 of 1,606,930 alleles (0.00012%); highest among the groups gnomAD compares: Non-Finnish European, 0.00017%; no homozygotes.

Submissions (5):

Labcorp Genetics (formerly Invitae), Labcorp
Classification: Pathogenic for Familial melanoma. Last evaluated: 2026-01-24. Review status: criteria provided, single submitter. Criteria: Invitae Variant Classification Sherloc (09022015). Collection method: clinical testing. Allele origin: germline.
Comment: The CDKN2A gene encodes two different proteins, p16INK4a and p14ARF, which are translated from alternative transcripts with different open reading frames. Both transcripts have been analyzed. We report either the variant with the higher classification or default to the CDKN2A (p16INK4a) variant. This report therefore includes the details for the CDKN2A (p16INK4a) variant. This sequence change replaces arginine, which is basic and polar, with glycine, which is neutral and non-polar, at codon 112 of the CDKN2A (p16INK4a) protein (p.Arg112Gly). This variant is not present in population databases (gnomAD no frequency). This missense change has been observed in individual(s) with melanoma (PMID: 10398427, 12072543, 16307646, 16896043, 16905682, 17047042, 21462282, 22841127). It has also been observed to segregate with disease in related individuals. This variant is also known as c.377C>G (p.Pro126Arg) in the CDKN2A (p14ARF) transcript. ClinVar contains an entry for this variant (Variation ID: 233484). An algorithm developed to predict the effect of missense changes on protein structure and function (PolyPhen-2) suggests that this variant is likely to be disruptive. Experimental studies have shown that this variant affects protein function, which reduces binding to CDK4 and alters sub-cellular localization in vitro (PMID: 11518711, 20340136), but has conflicting results on cell-cycle arrest (PMID: 21462282, 12606942). For these reasons, this variant has been classified as Pathogenic. While the evidence indicates that this variant confers risk of developing CDKN2A (p16INK4a)-associated conditions, its association with risk for developing CDKN2A (p14ARF)-associated conditions is still unclear.

Dasa
Classification: Likely pathogenic. Last evaluated: 2025-11-21. Review status: criteria provided, single submitter. Criteria: DASA Assertion Criteria. Collection method: clinical testing. Allele origin: germline.
Comment: NM_000077.5(CDKN2A):c.334C>G (p.Arg112Gly) is a missense variant that results in the substitution of arginine with glycine. This variant has been reported in individuals with CDKN2A-related disorders (PMID: 10398427). Segregation data support an association with disease in the reported family/families (PMID: 10398427). Functional evidence supports an impact on the gene or gene product (PMID: 21462282; PMID: 20340136; PMID: 11518711; PMID: 10398427; PMID: 12072543). Also, this variant is rare in population databases. Based on the currently available evidence, this variant is classified as likely pathogenic.

Ambry Genetics
Classification: Likely pathogenic for Hereditary cancer-predisposing syndrome. Last evaluated: 2024-12-06. Review status: criteria provided, single submitter. Criteria: Ambry Variant Classification Scheme 2023. Collection method: clinical testing. Allele origin: germline.
Comment: The p.R112G variant (also known as c.334C>G), located in coding exon 2 of the CDKN2A gene, results from a C to G substitution at nucleotide position 334. The arginine at codon 112 is replaced by glycine, an amino acid with dissimilar properties. Of note, this alteration is also known as c.377C>G (p.P126R) in the p14(ARF) isoform. This variant was detected in a high-risk Australian melanoma family and segregated with disease in 3/3 affected individuals tested, including 2 relatives diagnosed in their twenties (Holland EA et al, Genes Chromosomes Cancer 1999 Aug; 25(4):339-48). This variant was reported in individuals with features consistent with Melanoma-pancreatic cancer syndrome (Ambry internal data). This alteration has also been reported in several additional melanoma families (Lang J et al. Br J Dermatol, 2005 Dec;153:1121-5; Maubec E et al. J Am Acad Dermatol, 2012 Dec;67:1257-64; Stolarova L et al. Biomedicines, 2020 Oct;8:). Functional analyses have shown p.R112G to be correlated with with decreased CDK4 binding in vivo, reduced expression, altered localization and impaired cell cycle arrest compared to wild type p16 (Rizos H et al, J. Biol. Chem. 2001 Nov; 276(44):41424-34; McKenzie HA et al. Hum Mutat, 2010 Jun;31:692-701; Miller PJ et al, Hum. Mutat. 2011 Aug; 32(8):900-11). This amino acid position is well conserved in available vertebrate species. In addition, the in silico prediction for this alteration is inconclusive. This variant is considered to be rare based on population cohorts in the Genome Aggregation Database (gnomAD). Based on the majority of available evidence to date, this variant is likely to be pathogenic.

Color Diagnostics, LLC DBA Color Health
Classification: Likely pathogenic for Hereditary cancer-predisposing syndrome. Last evaluated: 2022-12-27. Review status: criteria provided, single submitter. Criteria: ACMG Guidelines, 2015. Collection method: clinical testing. Allele origin: germline.
Comment: The CDKN2A locus encodes two different gene products, p16INK4a and p14ARF. This missense variant replaces arginine with glycine at codon 112 of the CDKN2A (p16INK4A) protein. Computational prediction tool suggests that this variant may not impact protein structure and function (internally defined REVEL score threshold <=0.5, PMID: 27666373). Functional studies have shown that this variant results in the reduced protein expression, altered subcellular localization and impaired p16INK4A binding to CDK4 (PMID: 11518711, 20340136). This variant has shown no or partial impact on the cell cycle arrest activity of the p16INK4A protein (PMID: 11518711, 12606942, 21462282). This variant has been reported in over 15 individuals and families affected with melanoma (PMID: 10398427, 12072543, 16307646, 16896043, 16905682, 17047042, 21462282, 22841127, 33050356). This variant has not been identified in the general population by the Genome Aggregation Database (gnomAD). Based on the available evidence, this variant is classified as Likely Pathogenic.

Baylor Genetics
Classification: Likely pathogenic for Melanoma and neural system tumor syndrome. Last evaluated: 2021-04-05. Review status: criteria provided, single submitter. Criteria: ACMG Guidelines, 2015. Collection method: clinical testing. Allele origin: unknown.

Literature cited by the submitters: PubMed 10398427 (cited by 4 submitters); PubMed 12072543 (cited by 3 submitters); PubMed 16307646 (cited by 4 submitters); PubMed 16896043 (cited by 4 submitters); PubMed 16905682 (cited by 3 submitters); PubMed 17047042 (cited by 3 submitters); PubMed 21462282 (cited by 4 submitters); PubMed 22841127 (cited by 4 submitters); PubMed 11518711 (cited by 4 submitters); PubMed 20340136 (cited by 4 submitters); PubMed 12606942 (cited by Labcorp Genetics (formerly Invitae), Labcorp and Color Diagnostics, LLC DBA Color Health); PubMed 33050356 (cited by Ambry Genetics and Color Diagnostics, LLC DBA Color Health); PubMed 33766116 (cited by Ambry Genetics).